The following is an entry in ClinVar:

ClinVar aggregate classification (germline): Uncertain significance (1 of 4 stars; one submission).

Conditions:
Inborn genetic diseases. Identifiers: MedGen C0950123, MeSH D030342.

Allele frequency attached by ClinVar (database versions not stated): gnomAD 0.00001; TOPMed 0.00001; gnomAD exomes below 0.00001.

Submission:

Ambry Genetics
Classification: Uncertain significance for Inborn genetic diseases. Last evaluated: 2021-04-06. Review status: criteria provided, single submitter. Criteria: Ambry Variant Classification Scheme 2023. Collection method: clinical testing. Allele origin: germline.
Comment: The c.2057dupT variant, located in coding exon 12 of the TRPV4 gene, results from a duplication of T at nucleotide position 2057, causing a translational frameshift with a predicted alternate stop codon (p.S687Efs*59). This alteration is expected to result in premature protein truncation or nonsense-mediated mRNA decay. However, loss of function of TRPV4 has not been clearly established as a mechanism of disease. Since supporting evidence is limited at this time, the clinical significance of this alteration remains unclear.

NM_021625.5(TRPV4):c.2057dup (p.Ser687fs)

Gene: TRPV4 (transient receptor potential cation channel subfamily V member 4; minus strand). Cytogenetic location: 12q24.11.
Variant type: Duplication.
Coding change: c.2057dup on transcript NM_021625.5 (MANE Select); coding-DNA position 2057, one base duplicated (T; older notation c.2057dupT).
Protein change: p.Ser687fs; shifts the reading frame from serine 687.
Molecular consequence: frameshift variant.
Genome position (GRCh38, 1-based): chr12:109,788,551, A duplicated on the plus strand (T on the coding strand, the reverse complement: TRPV4 is on the minus strand). VCF-style (leftmost placement, unchanged base first): chr12-109788550-C-CA. GRCh37 (hg19) VCF-style: chr12-110226355-C-CA.
Other names: c.1916dup, p.Ser640Glufs (NM_001177428.2); c.1955dup, p.Ser653Glufs (NM_001177431.2); c.1736dup, p.Ser580Glufs (NM_001177433.2); c.2057dupT (NM_021625.4); c.1877dup, p.Ser627Glufs (NM_147204.3); short protein forms S580fs, S653fs, S627fs, S640fs, S687fs.
Identifiers: ClinVar variation 1785148 (VCV001785148.2), dbSNP rs1361020746, ClinGen allele CA683419938.